The following is an entry in ClinVar:

NM_000088.4(COL1A1):c.3023C>G (p.Pro1008Arg)

Gene: COL1A1 (collagen type I alpha 1 chain; minus strand). Cytogenetic location: 17q21.33.
Variant type: single nucleotide variant.
Coding change: c.3023C>G on transcript NM_000088.4 (MANE Select); coding-DNA position 3023, C replaced by G.
Protein change: p.Pro1008Arg; replaces proline 1008 with arginine.
Molecular consequence: missense variant.
Genome position (GRCh38, 1-based): chr17:50,188,925, G>C on the plus strand (C>G on the coding strand, the complement: COL1A1 is on the minus strand). VCF-style: chr17-50188925-G-C. GRCh37 (hg19) VCF-style: chr17-48266286-G-C.
Other names: short protein forms P1008R.
Identifiers: ClinVar variation 1490909 (VCV001490909.6), dbSNP rs1484351533, ClinGen allele CA400203731.

ClinVar aggregate classification (germline): Uncertain significance (1 of 4 stars; one submission).

Conditions:
Osteogenesis imperfecta type I (OI1). Also called: Lobstein disease; Lobstein's Disease; OI, TYPE I; OSTEOGENESIS IMPERFECTA TARDA; OSTEOGENESIS IMPERFECTA WITH BLUE SCLERAE; Osteogenesis imperfecta type 1. Identifiers: Orphanet 216796, Orphanet 666, MedGen C0023931, MONDO:0008146, OMIM 166200. Disease mechanism: loss of function.

Submission:

Labcorp Genetics (formerly Invitae), Labcorp
Classification: Uncertain significance for Osteogenesis imperfecta type I. Last evaluated: 2021-12-01. Review status: criteria provided, single submitter. Criteria: Invitae Variant Classification Sherloc (09022015). Collection method: clinical testing. Allele origin: germline.
Comment: This sequence change replaces proline, which is neutral and non-polar, with arginine, which is basic and polar, at codon 1008 of the COL1A1 protein (p.Pro1008Arg). This variant is not present in population databases (gnomAD no frequency). This variant has not been reported in the literature in individuals affected with COL1A1-related conditions. Advanced modeling of protein sequence and biophysical properties (such as structural, functional, and spatial information, amino acid conservation, physicochemical variation, residue mobility, and thermodynamic stability) performed at Invitae indicates that this missense variant is not expected to disrupt COL1A1 protein function. In summary, the available evidence is currently insufficient to determine the role of this variant in disease. Therefore, it has been classified as a Variant of Uncertain Significance.